The following is an entry in ClinVar:

ClinVar aggregate classification (germline): Likely pathogenic (1 of 4 stars; one submission).

Conditions:
Hereditary hemorrhagic telangiectasia (HHT). Also called: ORW DISEASE; Osler Weber Rendu syndrome; OSLER-RENDU-WEBER DISEASE; Osler hemorrhagic telangiectasia syndrome. Identifiers: Orphanet 774, MedGen C0039445, MONDO:0019180. Disease mechanism: loss of function.

Submission:

Labcorp Genetics (formerly Invitae), Labcorp
Classification: Likely pathogenic for Hereditary hemorrhagic telangiectasia. Last evaluated: 2025-05-19. Review status: criteria provided, single submitter. Criteria: Invitae Variant Classification Sherloc (09022015). Collection method: clinical testing. Allele origin: germline.
Comment: This sequence change affects a splice site in intron 8 of the ENG gene. It is expected to disrupt RNA splicing. Variants that disrupt the donor or acceptor splice site typically lead to a loss of protein function (PMID: 16199547), and loss-of-function variants in ENG are known to be pathogenic (PMID: 15879500). Information on the frequency of this variant in the gnomAD database is not available, as this variant may be reported differently in the database. Disruption of this splice site has been observed in individual(s) with clinical features of hereditary hemorrhagic telangiectasia (internal data). In summary, the currently available evidence indicates that the variant is pathogenic, but additional data are needed to prove that conclusively. Therefore, this variant has been classified as Likely Pathogenic.

Literature cited by the submitters: PubMed 16199547; PubMed 15879500.

NM_001114753.3(ENG):c.1135-3_1135-2delinsAG

Genes: ENG (endoglin; minus strand), LOC102723566 (uncharacterized LOC102723566; plus strand). Cytogenetic location: 9q34.11.
Variant type: Indel.
Coding change: c.1135-3_1135-2delinsAG on transcript NM_001114753.3 (MANE Select); 3 bases into the intron before coding-DNA position 1135 through the canonical splice acceptor site of the intron before coding-DNA position 1135, CA replaced by AG.
Molecular consequence: splice acceptor variant.
Genome position (GRCh38, 1-based): chr9:127,820,039-127,820,040, TG replaced by CT on the plus strand (CA replaced by AG on the coding strand, the reverse complement: ENG is on the minus strand). VCF-style: chr9-127820039-TG-CT. GRCh37 (hg19) VCF-style: chr9-130582318-TG-CT.
Other names: c.1135-3_1135-2delinsAG (NM_000118.4); c.589-3_589-2delinsAG (NM_001278138.2).
Identifiers: ClinVar variation 4719837 (VCV004719837.1).